The following is an entry in ClinVar:

NM_000126.4(ETFA):c.*268A>G

Gene: ETFA (electron transfer flavoprotein subunit alpha; minus strand). Cytogenetic location: 15q24.2.
Variant type: single nucleotide variant.
Coding change: c.*268A>G on transcript NM_000126.4 (MANE Select); 268 bases downstream of the stop codon, A replaced by G.
Molecular consequence: 3 prime UTR variant.
Genome position (GRCh38, 1-based): chr15:76,216,291, T>C on the plus strand (A>G on the coding strand, the complement: ETFA is on the minus strand). VCF-style: chr15-76216291-T-C. GRCh37 (hg19) VCF-style: chr15-76508632-T-C.
Other names: c.*268A>G (NM_001127716.2).
Identifiers: ClinVar variation 317151 (VCV000317151.7), dbSNP rs80292319, ClinGen allele CA10642578.

ClinVar aggregate classification (germline): Benign. Review status: criteria provided, multiple submitters, no conflicts (2 of 4 stars). 3 submissions from 3 submitters: Benign (3). Last evaluated 2018-06-26.

Conditions:
Multiple acyl-CoA dehydrogenase deficiency (MADD). Also called: ETHYLMALONIC-ADIPICACIDURIA; GA II; Glutaric aciduria, type 2; Glutaric acidemia type II; GA 2; Glutaric Acidemia type 2. Identifiers: Orphanet 26791, MedGen C0268596, MONDO:0009282, OMIM 231680.

Allele frequency attached by ClinVar (database versions not stated): 1000 Genomes Project 0.01378; 1000 Genomes Project 30x 0.01437; TOPMed 0.03023; gnomAD 0.03691 and 0.03836; gnomAD exomes 0.04351.
gnomAD v4.1: 14,993 of 369,758 alleles (4.1%); highest among the groups gnomAD compares: Non-Finnish European, 5.4%; 417 homozygotes.

Submissions (3):

GeneDx
Classification: Benign. Last evaluated: 2018-06-26. Review status: criteria provided, single submitter. Criteria: GeneDx Variant Classification Process June 2021. Collection method: clinical testing. Allele origin: germline. Affected: yes.

Illumina Laboratory Services, Illumina
Classification: Benign for Multiple acyl-CoA dehydrogenase deficiency. Last evaluated: 2018-01-13. Review status: criteria provided, single submitter. Criteria: ICSL Variant Classification Criteria 13 December 2019. Collection method: clinical testing. Allele origin: germline.
Comment: This variant was observed in the ICSL laboratory as part of a predisposition screen in an ostensibly healthy population. It had not been previously curated by ICSL or reported in the Human Gene Mutation Database (HGMD: prior to June 1st, 2018), and was therefore a candidate for classification through an automated scoring system. Utilizing variant allele frequency, disease prevalence and penetrance estimates, and inheritance mode, an automated score was calculated to assess if this variant is too frequent to cause the disease. Based on the score and internal cut-off values, a variant classified as benign is not then subjected to further curation. The score for this variant resulted in a classification of benign for this disease.

Breakthrough Genomics
Classification: Benign. Review status: criteria provided, single submitter. Criteria: ACMG Guidelines, 2015. Collection method: not provided. Allele origin: germline. Inheritance: Autosomal recessive inheritance. Affected: yes.